The following is an entry in ClinVar:

ClinVar aggregate classification (germline): Benign/Likely benign. Review status: criteria provided, multiple submitters, no conflicts (2 of 4 stars). 3 submissions from 3 submitters: Benign (1); Likely benign (1). 1 of the submissions does not count toward it. Last evaluated 2025-12-24.

Conditions:
FOXL2-related disorder. Also called: FOXL2-related condition.

Allele frequency attached by ClinVar (database versions not stated): 1000 Genomes Project 0.00459; 1000 Genomes Project 30x 0.00484; ESP Exome Variant Server 0.00546.
gnomAD v4.1: 1,178 of 1,610,776 alleles (0.073%); highest among the groups gnomAD compares: African/African-American, 1.4%; 6 homozygotes.

Submissions (3):

Labcorp Genetics (formerly Invitae), Labcorp
Classification: Benign. Last evaluated: 2025-12-24. Review status: criteria provided, single submitter. Criteria: Invitae Variant Classification Sherloc (09022015). Collection method: clinical testing. Allele origin: germline.

Blueprint Genetics
Classification: Likely benign. Last evaluated: 2024-05-08. Review status: criteria provided, single submitter. Criteria: ACMG Guidelines, 2015. Collection method: clinical testing. Allele origin: germline.

PreventionGenetics, part of Exact Sciences
Classification: Benign for FOXL2-related condition. Last evaluated: 2019-03-26. Review status: no assertion criteria provided. Collection method: clinical testing. Allele origin: germline. Not counted in ClinVar's aggregate classification.
Comment: This variant is classified as benign based on ACMG/AMP sequence variant interpretation guidelines (Richards et al. 2015 PMID: 25741868, with internal and published modifications).

NM_023067.4(FOXL2):c.1101C>A (p.Thr367=)

Gene: FOXL2 (forkhead box L2; minus strand). Cytogenetic location: 3q22.3.
Variant type: single nucleotide variant.
Coding change: c.1101C>A on transcript NM_023067.4 (MANE Select); coding-DNA position 1101, C replaced by A.
Protein change: p.Thr367=; no amino-acid change (threonine 367 retained).
Molecular consequence: synonymous variant.
Genome position (GRCh38, 1-based): chr3:138,945,622, G>T on the plus strand (C>A on the coding strand, the complement: FOXL2 is on the minus strand). VCF-style: chr3-138945622-G-T. GRCh37 (hg19) VCF-style: chr3-138664464-G-T.
Other names: c.1101C>A (NM_023067.3).
Identifiers: ClinVar variation 2890002 (VCV002890002.6), dbSNP rs143272886, ClinGen allele CA2639683.